The following is an entry in ClinVar:

ClinVar aggregate classification (germline): Likely pathogenic (1 of 4 stars; one submission).

Conditions:
MYH7-related disorder. Also called: MYH7-related condition; MYH7-related disease; MYH7-related disorders.

Submission:

3billion
Classification: Likely pathogenic for MYH7-related disorder. Last evaluated: 2024-09-23. Review status: criteria provided, single submitter. Criteria: ACMG Guidelines, 2015. Collection method: clinical testing. Allele origin: germline. Affected: yes.
Comment: The variant is not observed in the gnomAD v4.0.0 dataset. Predicted Consequence/Location: Missense variant In silico tool predictions suggest damaging effect of the variant on gene or gene product [REVEL: 0.90 (>=0.6, sensitivity 0.68 and specificity 0.92); 3Cnet: 0.99 (>=0.6, sensitivity 0.72 and precision 0.9)]. The same nucleotide change resulting in the same amino acid change has been previously reported to be associated with MYH7 related disorder (3billion dataset). Therefore, this variant is classified as Likely pathogenic according to the recommendation of ACMG/AMP guideline.

NM_000257.4(MYH7):c.5465T>C (p.Leu1822Pro)

Gene: MYH7 (myosin heavy chain 7; minus strand). Cytogenetic location: 14q11.2.
Variant type: single nucleotide variant.
Coding change: c.5465T>C on transcript NM_000257.4 (MANE Select); coding-DNA position 5465, T replaced by C.
Protein change: p.Leu1822Pro; replaces leucine 1822 with proline.
Molecular consequence: missense variant.
Genome position (GRCh38, 1-based): chr14:23,415,089, A>G on the plus strand (T>C on the coding strand, the complement: MYH7 is on the minus strand). VCF-style: chr14-23415089-A-G. GRCh37 (hg19) VCF-style: chr14-23884298-A-G.
Other names: c.5465T>C, p.Leu1822Pro (NM_001407004.1); short protein forms L1822P.
Identifiers: ClinVar variation 4292331 (VCV004292331.1).